The following is an entry in ClinVar:

NM_001851.6(COL9A1):c.1764+1G>A

Gene: COL9A1 (collagen type IX alpha 1 chain; minus strand). Cytogenetic location: 6q13.
Variant type: single nucleotide variant.
Coding change: c.1764+1G>A on transcript NM_001851.6 (MANE Select); the canonical splice donor site of the intron after coding-DNA position 1764, G replaced by A.
Molecular consequence: splice donor variant.
Genome position (GRCh38, 1-based): chr6:70,253,384, C>T on the plus strand (G>A on the coding strand, the complement: COL9A1 is on the minus strand). VCF-style: chr6-70253384-C-T. GRCh37 (hg19) VCF-style: chr6-70963087-C-T.
Other names: c.1035+1G>A (NM_001377290.1, NM_078485.4); c.1065+1G>A (NM_001377289.1).
Identifiers: ClinVar variation 4986551 (VCV004986551.1).

ClinVar aggregate classification (germline): Uncertain significance (1 of 4 stars; one submission).

Conditions:
COL9A1-related disorder. Also called: COL9A1-related condition; COL9A1-related disorders.

gnomAD v4.1: 1 of 1,588,374 alleles (0.000063%); highest among the groups gnomAD compares: Non-Finnish European, 0.000086%; no homozygotes.

Submission:

PreventionGenetics, part of Exact Sciences
Classification: Uncertain significance for COL9A1-related condition. Last evaluated: 2026-08-11. Review status: criteria provided, single submitter. Criteria: ACMG Guidelines, 2015. Collection method: clinical testing. Allele origin: germline.
Comment: The COL9A1 c.1764+1G>A variant is predicted to disrupt the GT donor site and interfere with normal splicing. To our knowledge, this variant has not been reported in the literature. If this variant results in skipping of the adjacent exon, it is predicted to result in an in-frame deletion of <10% of the total protein. This variant is absent in a large population database (gnomAD), indicating this variant is rare. Although we suspect that this variant may be pathogenic, at this time, the clinical significance of this variant is uncertain due to the absence of conclusive functional and genetic evidence.